The following is an entry in ClinVar:

ClinVar aggregate classification (germline): Likely benign. Review status: criteria provided, multiple submitters, no conflicts (2 of 4 stars). 2 submissions from 2 submitters: Likely benign (2). Last evaluated 2024-09-20.

Conditions:
Hereditary diffuse gastric adenocarcinoma (HDGC). Also called: DIFFUSE GASTRIC AND LOBULAR BREAST CANCER SYNDROME. Identifiers: Orphanet 26106, MedGen C1708349, MONDO:0007648, OMIM 137215.

gnomAD v4.1: 4 of 1,578,728 alleles (0.00025%); highest among the groups gnomAD compares: Non-Finnish European, 0.00035%; no homozygotes.

Submissions (2):

Myriad Genetics, Inc.
Classification: Likely benign for Hereditary diffuse gastric adenocarcinoma. Last evaluated: 2024-09-20. Review status: criteria provided, single submitter. Criteria: Myriad Autosomal Dominant, Autosomal Recessive and X-Linked Classification Criteria (2023). Collection method: clinical testing. Allele origin: unknown.
Comment: This variant is considered likely benign. This variant is intronic and is not expected to impact mRNA splicing.

Labcorp Genetics (formerly Invitae), Labcorp
Classification: Likely benign for Hereditary diffuse gastric adenocarcinoma. Last evaluated: 2022-11-24. Review status: criteria provided, single submitter. Criteria: Invitae Variant Classification Sherloc (09022015). Collection method: clinical testing. Allele origin: germline.

NM_004360.5(CDH1):c.2164+9A>C

Gene: CDH1 (cadherin 1; plus strand). Cytogenetic location: 16q22.1.
Variant type: single nucleotide variant.
Coding change: c.2164+9A>C on transcript NM_004360.5 (MANE Select); 9 bases into the intron after coding-DNA position 2164, A replaced by C.
Molecular consequence: intron variant.
Genome position (GRCh38, 1-based): chr16:68,823,635, A>C. VCF-style: chr16-68823635-A-C. GRCh37 (hg19) VCF-style: chr16-68857538-A-C.
Other names: c.616+9A>C (NM_001317185.2); c.199+9A>C (NM_001317186.2); c.1981+9A>C (NM_001317184.2).
Identifiers: ClinVar variation 795764 (VCV000795764.10), dbSNP rs1596966209, ClinGen allele CA915949325.